The following is an entry in ClinVar:

NM_000059.4(BRCA2):c.7088A>G (p.Tyr2363Cys)

Gene: BRCA2 (BRCA2 DNA repair associated; plus strand). Cytogenetic location: 13q13.1.
Variant type: single nucleotide variant.
Coding change: c.7088A>G on transcript NM_000059.4 (MANE Select); coding-DNA position 7088, A replaced by G.
Protein change: p.Tyr2363Cys; replaces tyrosine 2363 with cysteine.
Molecular consequence: missense variant.
Genome position (GRCh38, 1-based): chr13:32,354,941, A>G. VCF-style: chr13-32354941-A-G. GRCh37 (hg19) VCF-style: chr13-32929078-A-G.
Other names: short protein forms Y2363C.
Identifiers: ClinVar variation 52265 (VCV000052265.31), dbSNP rs80358939, ClinGen allele CA024851.

ClinVar aggregate classification (germline): Conflicting classifications of pathogenicity. Review status: criteria provided, conflicting classifications (1 of 4 stars). 13 submissions from 13 submitters: Uncertain significance (8); Likely benign (1). 4 of the submissions do not count toward it. Last evaluated 2026-08-26.

Conditions:
BRCA2-related disorder. Also called: BRCA2-related condition; BRCA2-related disorders. Identifiers: MedGen CN239275.
Hereditary cancer-predisposing syndrome. Also called: Hereditary Cancer Syndrome; Neoplastic Syndromes, Hereditary; Hereditary neoplastic syndrome; Tumor predisposition. Identifiers: Orphanet 140162, MedGen C0027672, MeSH D009386, MONDO:0015356.
Hereditary breast ovarian cancer syndrome. Also called: Hereditary breast and ovarian cancer syndrome; Breast and ovarian cancer; BRCA1- and BRCA2-Associated Hereditary Breast and Ovarian Cancer; Hereditary breast and/or ovarian cancer syndrome; Hereditary breast and ovarian cancer; Hereditary breast and ovarian cancer syndrome (HBOC). Identifiers: Orphanet 145, MedGen C0677776, MeSH D061325, MONDO:0003582. Disease mechanism: loss of function.
Breast-ovarian cancer, familial, susceptibility to, 2 (BROVCA2). Also called: BRCA2 Hereditary Breast and Ovarian Cancer. Identifiers: Orphanet 145, MedGen C2675520, MONDO:0012933, OMIM 612555. Disease mechanism: loss of function.
Familial cancer of breast. Also called: hereditary breast carcinoma; BREAST CANCER, FAMILIAL; Hereditary breast cancer. Identifiers: Orphanet 227535, MedGen C0346153, MONDO:0016419, OMIM 114480. Disease mechanism: loss of function.

Allele frequency attached by ClinVar (database versions not stated): gnomAD exomes below 0.00001; ExAC 0.00001; TOPMed 0.00003.
gnomAD v4.1: 6 of 1,613,892 alleles (0.00037%); highest among the groups gnomAD compares: East Asian, 0.011%; no homozygotes.

Submissions (13):

PreventionGenetics, part of Exact Sciences
Classification: Uncertain significance for BRCA2-related condition. Last evaluated: 2026-08-26. Review status: criteria provided, single submitter. Criteria: ACMG Guidelines, 2015. Collection method: clinical testing. Allele origin: germline.
Comment: The BRCA2 c.7088A>G variant is predicted to result in the amino acid substitution p.Tyr2363Cys. This variant, also known as 7316A>G, has been reported in individuals with breast and/or ovarian cancer (Han et al. 2006. PubMed ID: 17100994; Li et al. 2017. PubMed ID: 28664449; Eoh et al. 2017. PubMed ID: 29020732; Bhaskaran et al. 2019. PubMed ID: 30702160; Gao et al. 2019. PubMed ID: 31825140; Dong et al. 2020. PubMed ID: 32467295; Liu et al. 2021. PubMed ID: 33461583; Zhang et al. 2022. PubMed ID: 35918668; Fortuno et al. 2024. PubMed ID: 39402389). This variant is reported in 0.0054% of alleles in individuals of East Asian descent in gnomAD and has conflicting interpretations in ClinVar ranging from likely benign to uncertain (Variation ID: 52265). At this time, the clinical significance of this variant is uncertain due to the absence of conclusive functional and genetic evidence.

Labcorp Genetics (formerly Invitae), Labcorp
Classification: Uncertain significance for Hereditary breast ovarian cancer syndrome. Last evaluated: 2025-12-24. Review status: criteria provided, single submitter. Criteria: Invitae Variant Classification Sherloc (09022015). Collection method: clinical testing. Allele origin: germline.
Comment: This sequence change replaces tyrosine, which is neutral and polar, with cysteine, which is neutral and slightly polar, at codon 2363 of the BRCA2 protein (p.Tyr2363Cys). This variant is present in population databases (rs80358939, gnomAD 0.006%). This missense change has been observed in individual(s) with breast or ovarian cancer (PMID: 16949048, 17100994, 28664449, 29020732, 30702160, 33461583, 35918668). This variant is also known as 7316A>G. ClinVar contains an entry for this variant (Variation ID: 52265). Invitae Evidence Modeling of protein sequence and biophysical properties (such as structural, functional, and spatial information, amino acid conservation, physicochemical variation, residue mobility, and thermodynamic stability) indicates that this missense variant is not expected to disrupt BRCA2 protein function with a negative predictive value of 95%. In summary, the available evidence is currently insufficient to determine the role of this variant in disease. Therefore, it has been classified as a Variant of Uncertain Significance.

Ambry Genetics
Classification: Uncertain significance for Hereditary cancer-predisposing syndrome. Last evaluated: 2025-05-19. Review status: criteria provided, single submitter. Criteria: Ambry Variant Classification Scheme 2023. Collection method: clinical testing. Allele origin: germline.
Comment: The p.Y2363C variant (also known as c.7088A>G), located in coding exon 13 of the BRCA2 gene, results from an A to G substitution at nucleotide position 7088. The tyrosine at codon 2363 is replaced by cysteine, an amino acid with highly dissimilar properties. This alteration has been identified in multiple Asian individuals diagnosed with breast and/or ovarian cancer (Han SH et al. Clin. Genet. 2006; 70:496-501; Kim BY et al. Biochem. Biophys. Res. Commun. 2006;349:604-610; Eoh KJ et al. Cancer Res Treat 2017 Sep; Li G et al. J Cancer Res Clin Oncol, 2017 Oct;143:2011-2024; Wang J et al. Cancer Med, 2019 May;8:2074-2084). This amino acid position is not well conserved in available vertebrate species. In addition, this alteration is predicted to be tolerated by in silico analysis. Since supporting evidence is limited at this time, the clinical significance of this alteration remains unclear.

Quest Diagnostics Nichols Institute San Juan Capistrano
Classification: Uncertain significance. Last evaluated: 2025-03-26. Review status: criteria provided, single submitter. Criteria: Quest Diagnostics criteria. Collection method: clinical testing. Allele origin: unknown.
Comment: The BRCA2 c.7088A>G (p.Tyr2363Cys) variant has been reported in the published literature in individuals with breast and/or ovarian cancer (PMIDs: 38741424 (2024), 35918668 (2022), 35864222 (2022), 34917121 (2021), 30982232 (2019), 29020732 (2018), 28664449 (2017), 17100994 (2006), 16949048 (2006)), as well as in reportedly healthy individuals (PMID: 32467295 (2020)). The frequency of this variant in the general population (Genome Aggregation Database) is uninformative in the assessment of its pathogenicity. Analysis of this variant using bioinformatics tools for the prediction of the effect of amino acid changes on protein structure and function yielded predictions that this variant is benign. Based on the available information, we are unable to determine the clinical significance of this variant.

Color Diagnostics, LLC DBA Color Health
Classification: Likely benign for Hereditary cancer-predisposing syndrome. Last evaluated: 2025-01-07. Review status: criteria provided, single submitter. Criteria: ACMG Guidelines, 2015. Collection method: clinical testing. Allele origin: germline.

Baylor Genetics
Classification: Uncertain significance for Familial cancer of breast. Last evaluated: 2023-10-25. Review status: criteria provided, single submitter. Criteria: ACMG Guidelines, 2015. Collection method: clinical testing. Allele origin: unknown.

All of Us Research Program, National Institutes of Health
Classification: Uncertain significance for Breast-ovarian cancer, familial, susceptibility to, 2. Last evaluated: 2023-08-15. Review status: criteria provided, single submitter. Criteria: ACMG Guidelines, 2015. Collection method: clinical testing. Allele origin: germline. Inheritance: Autosomal dominant inheritance. Observed: 2 variant alleles, 2 heterozygotes.
Comment: This missense variant replaces tyrosine with cysteine at codon 2363 of the BRCA2 protein. Computational prediction is inconclusive regarding the impact of this variant on protein structure and function (internally defined REVEL score threshold 0.5 < inconclusive < 0.7, PMID: 27666373). To our knowledge, functional studies have not been reported for this variant. This variant has been reported in individuals affected with breast cancer (PMID: 16949048, 17100994, 28664449). This variant has been identified in 1/251020 chromosomes in the general population by the Genome Aggregation Database (gnomAD). The available evidence is insufficient to determine the role of this variant in disease conclusively. Therefore, this variant is classified as a Variant of Uncertain Significance.

This study involves interpretation of variants in research participants for the purpose of population health screening. Participant phenotype was not available at the time of variant classification. Additional details can be found in publication PMID: 35346344, PMCID: PMC8962531

GeneDx
Classification: Uncertain significance. Last evaluated: 2019-09-18. Review status: criteria provided, single submitter. Criteria: GeneDx Variant Classification Process June 2021. Collection method: clinical testing. Allele origin: germline. Affected: yes.
Comment: Not observed at a significant frequency in large population cohorts (Lek 2016); In silico analysis, which includes protein predictors and evolutionary conservation, supports that this variant does not alter protein structure/function; Also known as 7316A>G; Observed in individuals with breast or ovarian cancer (Han 2006, Kim 2006, Li 2017, Eoh 2018); This variant is associated with the following publications: (PMID: 17100994, 28664449, 31825140, 29020732, 30702160, 16949048, 31131967, 25348012)

Women's Health and Genetics/Laboratory Corporation of America, LabCorp
Classification: Uncertain significance. Last evaluated: 2018-03-15. Review status: criteria provided, single submitter. Criteria: LabCorp Variant Classification Summary - May 2015. Collection method: clinical testing. Allele origin: germline.
Comment: Variant summary: BRCA2 c.7088A>G (p.Tyr2363Cys) results in a non-conservative amino acid change in the encoded protein sequence outside of any known functional domain or repeat. Four of five in-silico tools predict a benign effect of the variant on protein function. The variant allele was found at a frequency of 4.1e-06 in 1/246216 control chromosomes (East Asians: 1/17244 chrs tested). The available data on variant occurrences in the general population are insufficient to allow any conclusion about variant significance. c.7088A>G has been reported in the literature in individuals of East Asian descent affected with Breast and/or Ovarian Cancer (Kim 2006, Han 2006, Eoh 2017, Li 2017). These report(s) do not provide unequivocal conclusions about association of the variant with Hereditary Breast and Ovarian Cancer. Co-occurrence with another pathogenic variant has been reported (UMD database: BRCA1 c.1067delA , p.Gln356fsX18), providing supporting evidence for a benign role. To our knowledge, no experimental evidence demonstrating an impact on protein function has been reported. One clinical diagnostic laboratory has submitted clinical-significance assessments for this variant to ClinVar after 2014 without evidence for independent evaluation, and classified the variant as uncertain significance. Based on the evidence outlined above, the variant was classified as uncertain significance.

BRCAlab, Lund University
Classification: Uncertain significance for Breast-ovarian cancer, familial, susceptibility to, 2. Last evaluated: 2020-03-02. Review status: no assertion criteria provided. Collection method: clinical testing. Allele origin: germline. Affected: yes. Not counted in ClinVar's aggregate classification.

Counsyl
Classification: Uncertain significance for Breast-ovarian cancer, familial, susceptibility to, 2. Last evaluated: 2017-02-14. Review status: no assertion criteria provided. Collection method: clinical testing. Allele origin: unknown. Not counted in ClinVar's aggregate classification.

Breast Cancer Information Core (BIC) (BRCA2)
Classification: Uncertain significance for Breast-ovarian cancer, familial 2. Last evaluated: 2002-05-29. Review status: no assertion criteria provided. Collection method: clinical testing. Allele origin: germline. Affected: yes. Observed: 2 variant alleles. Not counted in ClinVar's aggregate classification.

Center for Precision Medicine, Meizhou People's Hospital
Classification: Uncertain significance for Familial cancer of breast. Review status: no assertion criteria provided. Collection method: literature only. Allele origin: germline. Affected: yes. Not counted in ClinVar's aggregate classification.

Literature cited by the submitters: PubMed 16949048 (cited by 4 submitters); PubMed 17100994 (cited by 5 submitters); PubMed 28664449 (cited by 6 submitters); PubMed 29020732 (cited by 4 submitters); PubMed 30702160 (cited by 3 submitters); PubMed 33461583 (cited by Labcorp Genetics (formerly Invitae), Labcorp and Quest Diagnostics Nichols Institute San Juan Capistrano); PubMed 35918668 (cited by Labcorp Genetics (formerly Invitae), Labcorp and Quest Diagnostics Nichols Institute San Juan Capistrano); PubMed 30982232 (cited by Ambry Genetics and Quest Diagnostics Nichols Institute San Juan Capistrano); PubMed 38741424 (cited by Quest Diagnostics Nichols Institute San Juan Capistrano); PubMed 31191615 (cited by Quest Diagnostics Nichols Institute San Juan Capistrano); PubMed 34235180 (cited by Quest Diagnostics Nichols Institute San Juan Capistrano); PubMed 32467295 (cited by Quest Diagnostics Nichols Institute San Juan Capistrano); PubMed 34917121 (cited by Quest Diagnostics Nichols Institute San Juan Capistrano); PubMed 35864222 (cited by Quest Diagnostics Nichols Institute San Juan Capistrano); PubMed 38566028 (cited by Quest Diagnostics Nichols Institute San Juan Capistrano); PubMed 25348012 (cited by Counsyl).